The following is an entry in ClinVar:

NM_000155.4(GALT):c.378-27G>C

Gene: GALT (galactose-1-phosphate uridylyltransferase; plus strand). Cytogenetic location: 9p13.3.
Variant type: single nucleotide variant.
Coding change: c.378-27G>C on transcript NM_000155.4 (MANE Select); 27 bases into the intron before coding-DNA position 378, G replaced by C.
Molecular consequence: intron variant.
Genome position (GRCh38, 1-based): chr9:34,647,805, G>C. VCF-style: chr9-34647805-G-C. GRCh37 (hg19) VCF-style: chr9-34647802-G-C.
Other names: IVS4-27G>C; p.?; c.51-27G>C (NM_001258332.2).
Identifiers: ClinVar variation 25166 (VCV000025166.23), dbSNP rs41274865, ClinGen allele CA342592.
Genomic context (GRCh38, chr9:34,647,805, plus strand): 5'-GTTGGAGACTCAGCATTGGGGTTCGGCCCTGCCCGTAGCACAGCCAAGCCCTACCTCTCG[G>C]TTATCTTTTCTCCCGTCACCACCCAGTAAGGTCATGTGCTTCCACCCCTGGTCGGATGTA-3'

ClinVar aggregate classification (germline): Benign. Review status: criteria provided, multiple submitters, no conflicts (2 of 4 stars). 12 submissions from 12 submitters: Benign (9). 3 of the submissions do not count toward it. Last evaluated 2026-01-26.

Conditions:
Galactosemia. Also called: Galactose intolerance. Identifiers: Orphanet 352, MedGen C0016952, MONDO:0018116, HP:0004919. Disease mechanism: loss of function.
Deficiency of UDPglucose-hexose-1-phosphate uridylyltransferase. Also called: GALACTOSE-1-PHOSPHATE URIDYLYLTRANSFERASE DEFICIENCY; Transferase Deficiency Galactosemia; GALACTOSEMIA I; GALT deficiency; Galactosemia, classic. Identifiers: Orphanet 352, Orphanet 79239, MedGen C0268151, MONDO:0009258, OMIM 230400.

Allele frequency attached by ClinVar (database versions not stated): gnomAD 0.04621 and 0.04615; ExAC 0.05366; TOPMed 0.04210; gnomAD exomes 0.05428 and 0.06143; 1000 Genomes Project 0.04153; ESP Exome Variant Server 0.04590; 1000 Genomes Project 30x 0.04107.
gnomAD v4.1: 96,739 of 1,614,114 alleles (6%); highest among the groups gnomAD compares: South Asian, 7.5%; 3,193 homozygotes.

Submissions (12):

3billion
Classification: Benign for Deficiency of UDPglucose-hexose-1-phosphate uridylyltransferase. Last evaluated: 2026-01-26. Review status: criteria provided, single submitter. Criteria: ACMG Guidelines, 2015. Collection method: clinical testing. Allele origin: germline. Affected: yes.
Comment: The variant is observed at an allele frequency greater than expected for the associated disorder in the gnomAD v4.1.0 dataset. The variant is observed as homozygous in at least two unrelated individuals/adults in the gnomAD v4.1.0 dataset. Predicted Consequence/Location: Non coding variant The variant has been reported at least twice as pathogenic with clinical assertions and evidence for the classification (ClinVar ID: VCV000025111 /PMID: 25473725). Therefore, this variant is classified as Risk Allele according to the recommendation of ACMG/AMP guideline.

Genome-Nilou Lab
Classification: Benign for Deficiency of UDPglucose-hexose-1-phosphate uridylyltransferase. Last evaluated: 2021-07-01. Review status: criteria provided, single submitter. Criteria: ACMG Guidelines, 2015. Collection method: clinical testing. Allele origin: germline. Affected: no.

Mendelics
Classification: Benign for Deficiency of UDPglucose-hexose-1-phosphate uridylyltransferase. Last evaluated: 2019-05-28. Review status: criteria provided, single submitter. Criteria: Mendelics Assertion Criteria 2017. Collection method: clinical testing. Allele origin: unknown.

Mayo Clinic Laboratories, Mayo Clinic
Classification: Benign. Last evaluated: 2019-02-07. Review status: criteria provided, single submitter. Criteria: ACMG Guidelines, 2015. Collection method: clinical testing. Allele origin: germline. Observed: 432 variant alleles.

ARUP Laboratories, Molecular Genetics and Genomics, ARUP Laboratories
Classification: Benign for Deficiency of UDPglucose-hexose-1-phosphate uridylyltransferase. Last evaluated: 2018-07-06. Review status: criteria provided, single submitter. Criteria: ARUP Molecular Germline Variant Investigation Process. Collection method: clinical testing. Allele origin: germline.

GeneDx
Classification: Benign. Last evaluated: 2015-03-03. Review status: criteria provided, single submitter. Criteria: GeneDx Variant Classification Process June 2021. Collection method: clinical testing. Allele origin: germline. Affected: yes.

Women's Health and Genetics/Laboratory Corporation of America, LabCorp
Classification: Benign for Galactosemia. Last evaluated: 2011-08-18. Review status: criteria provided, single submitter. Criteria: LabCorp Variant Classification Summary - May 2015. Collection method: clinical testing. Allele origin: not applicable. Inheritance: autosomal unknown.
ClinVar note: Converted during submission from benign to Benign.

Breakthrough Genomics
Classification: Benign. Review status: criteria provided, single submitter. Criteria: ACMG Guidelines, 2015. Collection method: not provided. Allele origin: germline. Inheritance: Autosomal recessive inheritance. Affected: yes.

PreventionGenetics, part of Exact Sciences
Classification: Benign. Review status: criteria provided, single submitter. Criteria: ACMG Guidelines, 2015. Collection method: clinical testing. Allele origin: germline.

Natera, Inc.
Classification: Benign for Galactosemia. Last evaluated: 2020-09-16. Review status: no assertion criteria provided. Collection method: clinical testing. Allele origin: germline. Not counted in ClinVar's aggregate classification.

GeneReviews
No classification provided. Condition: Deficiency of UDPglucose-hexose-1-phosphate uridylyltransferase. Review status: no classification provided. Collection method: literature only. Allele origin: germline. Affected: yes. Not counted in ClinVar's aggregate classification.

Genomic Medicine Center of Excellence, King Faisal Specialist Hospital and Research Centre
Classification: Likely pathogenic for Deficiency of UDPglucose-hexose-1-phosphate uridylyltransferase. Last evaluated: 2025-09-10. Review status: flagged submission. Criteria: ACMG Guidelines, 2015. Collection method: clinical testing. Allele origin: germline. Not counted in ClinVar's aggregate classification.
ClinVar note: Reason: Outlier claim with insufficient supporting evidence

Literature cited by the submitters: PubMed 10649501 (cited by Women's Health and Genetics/Laboratory Corporation of America, LabCorp); PubMed 19224951 (cited by Women's Health and Genetics/Laboratory Corporation of America, LabCorp); PubMed 10424825 (cited by Women's Health and Genetics/Laboratory Corporation of America, LabCorp); NCBI Bookshelf NBK258640 (cited by GeneReviews).